The following is an entry in ClinVar:

ClinVar aggregate classification (germline): Uncertain significance. Review status: criteria provided, multiple submitters, no conflicts (2 of 4 stars). 3 submissions from 3 submitters: Uncertain significance (3). Last evaluated 2024-04-25.

Conditions:
Hereditary cancer-predisposing syndrome. Also called: Tumor predisposition; Hereditary neoplastic syndrome; Neoplastic Syndromes, Hereditary; Hereditary Cancer Syndrome. Identifiers: Orphanet 140162, MedGen C0027672, MeSH D009386, MONDO:0015356.
Lynch syndrome. Identifiers: Orphanet 144, MedGen C4552100, MONDO:0005835. Disease mechanism: loss of function.
Hereditary nonpolyposis colorectal neoplasms. Identifiers: MedGen C0009405, MeSH D003123.

Submissions (3):

All of Us Research Program, National Institutes of Health
Classification: Uncertain significance for Lynch syndrome. Last evaluated: 2024-04-25. Review status: criteria provided, single submitter. Criteria: ACMG Guidelines, 2015. Collection method: clinical testing. Allele origin: germline. Inheritance: Autosomal dominant inheritance. Observed: 1 variant allele, 1 heterozygote.
Comment: This missense variant replaces glutamic acid with valine at codon 1348 of the MSH6 protein. Computational prediction suggests that this variant may not impact protein structure and function (internally defined REVEL score threshold <= 0.5, PMID: 27666373). To our knowledge, functional studies have not been reported for this variant. This variant has not been reported in individuals affected with MSH6-related disorders in the literature. This variant has not been identified in the general population by the Genome Aggregation Database (gnomAD). The available evidence is insufficient to determine the role of this variant in disease conclusively. Therefore, this variant is classified as a Variant of Uncertain Significance.

This study involves interpretation of variants in research participants for the purpose of population health screening. Participant phenotype was not available at the time of variant classification. Additional details can be found in publication PMID: 35346344, PMCID: PMC8962531

Ambry Genetics
Classification: Uncertain significance for Hereditary cancer-predisposing syndrome. Last evaluated: 2023-12-29. Review status: criteria provided, single submitter. Criteria: Ambry Variant Classification Scheme 2023. Collection method: clinical testing. Allele origin: germline.
Comment: The p.E1348V variant (also known as c.4043A>T), located in coding exon 10 of the MSH6 gene, results from an A to T substitution at nucleotide position 4043. The glutamic acid at codon 1348 is replaced by valine, an amino acid with dissimilar properties. This amino acid position is conserved. In addition, the in silico prediction for this alteration is inconclusive. Since supporting evidence is limited at this time, the clinical significance of this alteration remains unclear.

Labcorp Genetics (formerly Invitae), Labcorp
Classification: Uncertain significance for Hereditary nonpolyposis colorectal neoplasms. Last evaluated: 2022-09-06. Review status: criteria provided, single submitter. Criteria: Invitae Variant Classification Sherloc (09022015). Collection method: clinical testing. Allele origin: germline.
Comment: This sequence change replaces glutamic acid, which is acidic and polar, with valine, which is neutral and non-polar, at codon 1348 of the MSH6 protein (p.Glu1348Val). This variant is not present in population databases (gnomAD no frequency). This variant has not been reported in the literature in individuals affected with MSH6-related conditions. ClinVar contains an entry for this variant (Variation ID: 856202). Advanced modeling of protein sequence and biophysical properties (such as structural, functional, and spatial information, amino acid conservation, physicochemical variation, residue mobility, and thermodynamic stability) performed at Invitae indicates that this missense variant is not expected to disrupt MSH6 protein function. Algorithms developed to predict the effect of sequence changes on RNA splicing suggest that this variant may disrupt the consensus splice site. In summary, the available evidence is currently insufficient to determine the role of this variant in disease. Therefore, it has been classified as a Variant of Uncertain Significance.

NM_000179.3(MSH6):c.4043A>T (p.Glu1348Val)

Gene: MSH6 (mutS homolog 6; plus strand). Cytogenetic location: 2p16.3.
Variant type: single nucleotide variant.
Coding change: c.4043A>T on transcript NM_000179.3 (MANE Select); coding-DNA position 4043, A replaced by T.
Protein change: p.Glu1348Val; replaces glutamic acid 1348 with valine.
Molecular consequence: missense variant.
Genome position (GRCh38, 1-based): chr2:47,806,820, A>T. VCF-style: chr2-47806820-A-T. GRCh37 (hg19) VCF-style: chr2-48033959-A-T.
Other names: c.3653A>T, p.Glu1218Val (NM_001281492.2); c.3137A>T, p.Glu1046Val (NM_001281493.2, NM_001281494.2); short protein forms E1348V, E1046V, E1218V.
Identifiers: ClinVar variation 856202 (VCV000856202.12), dbSNP rs1449733937, ClinGen allele CA346761701.